The following is an entry in ClinVar:

NM_000051.4(ATM):c.8959G>T (p.Asp2987Tyr)

Genes: ATM (ATM serine/threonine kinase; plus strand), C11orf65 (chromosome 11 open reading frame 65; minus strand). Cytogenetic location: 11q22.3.
Variant type: single nucleotide variant.
Coding change: c.8959G>T on transcript NM_000051.4 (MANE Select); coding-DNA position 8959, G replaced by T.
Protein change: p.Asp2987Tyr; replaces aspartic acid 2987 with tyrosine.
Molecular consequence: missense variant. On other transcripts: intron variant (2).
Genome position (GRCh38, 1-based): chr11:108,365,190, G>T. VCF-style: chr11-108365190-G-T. GRCh37 (hg19) VCF-style: chr11-108235917-G-T.
Other names: c.8959G>T, p.Asp2987Tyr (NM_001351834.2); c.640+20730C>A (NM_001330368.2); c.694+20730C>A (NM_001351110.2); short protein forms D2987Y.
Identifiers: ClinVar variation 453755 (VCV000453755.38), dbSNP rs863224582, ClinGen allele CA382530262.
Genomic context (GRCh38, chr11:108,365,190, plus strand): 5'-GCTTTGTATTTACAGCAGAGGCCGGAAGATGAAACTGAGCTTCACCCTACTCTGAATGCA[G>T]ATGACCAAGAATGCAAACGAAATCTCAGGTGAGCAGTATTTTAAGAAGGTCCTGTTGTCA-3'
Protein context (NP_000042.3, residues 2977-2997): ETELHPTLNA[Asp2987Tyr]DQECKRNLSD

ClinVar aggregate classification (germline): Conflicting classifications of pathogenicity. Review status: criteria provided, conflicting classifications (1 of 4 stars). 10 submissions from 10 submitters: Uncertain significance (7); Likely benign (2). 1 of the submissions does not count toward it. Last evaluated 2025-07-14.

Conditions:
ATM-related cancer predisposition. Also called: ATM-related cancer susceptibility. Identifiers: MedGen CN377759, MONDO:0700270.
Hereditary cancer-predisposing syndrome. Also called: Neoplastic Syndromes, Hereditary; Hereditary Cancer Syndrome; Tumor predisposition; Hereditary neoplastic syndrome. Identifiers: Orphanet 140162, MedGen C0027672, MeSH D009386, MONDO:0015356.
Familial cancer of breast. Also called: Hereditary breast cancer; BREAST CANCER, FAMILIAL; hereditary breast carcinoma. Identifiers: Orphanet 227535, MedGen C0346153, MONDO:0016419, OMIM 114480. Disease mechanism: loss of function.
Ataxia-telangiectasia syndrome (AT). Also called: LOUIS-BAR SYNDROME; Cerebello-oculocutaneous telangiectasia; Immunodeficiency with ataxia telangiectasia; Ataxia-telangiectasia, complementation group D; AT, COMPLEMENTATION GROUP C; Ataxia-telangiectasia, complementation group E. Identifiers: Orphanet 100, MedGen C0004135, MONDO:0008840, OMIM 208900.

Allele frequency attached by ClinVar (database versions not stated): gnomAD exomes below 0.00001.
gnomAD v4.1: 6 of 1,614,216 alleles (0.00037%); highest among the groups gnomAD compares: Middle Eastern, 0.016%; no homozygotes.

Submissions (10):

Labcorp Genetics (formerly Invitae), Labcorp
Classification: Uncertain significance for Ataxia-telangiectasia syndrome. Last evaluated: 2025-07-14. Review status: criteria provided, single submitter. Criteria: Invitae Variant Classification Sherloc (09022015). Collection method: clinical testing. Allele origin: germline.
Comment: This sequence change replaces aspartic acid, which is acidic and polar, with tyrosine, which is neutral and polar, at codon 2987 of the ATM protein (p.Asp2987Tyr). This variant is present in population databases (no rsID available, gnomAD 0.003%). This missense change has been observed in individual(s) with clinical features of pancreatic ductal adenocarcinoma (PMID: 35171259). ClinVar contains an entry for this variant (Variation ID: 453755). Invitae Evidence Modeling of protein sequence and biophysical properties (such as structural, functional, and spatial information, amino acid conservation, physicochemical variation, residue mobility, and thermodynamic stability) indicates that this missense variant is not expected to disrupt ATM protein function with a negative predictive value of 95%. In summary, the available evidence is currently insufficient to determine the role of this variant in disease. Therefore, it has been classified as a Variant of Uncertain Significance.

Color Diagnostics, LLC DBA Color Health
Classification: Likely benign for Hereditary cancer-predisposing syndrome. Last evaluated: 2024-10-21. Review status: criteria provided, single submitter. Criteria: ACMG Guidelines, 2015. Collection method: clinical testing. Allele origin: germline.

Ambry Genetics
Classification: Likely benign for Hereditary cancer-predisposing syndrome. Last evaluated: 2024-08-23. Review status: criteria provided, single submitter. Criteria: Ambry Variant Classification Scheme 2023. Collection method: clinical testing. Allele origin: germline.

Baylor Genetics
Classification: Uncertain significance for Familial cancer of breast. Last evaluated: 2024-02-28. Review status: criteria provided, single submitter. Criteria: ACMG Guidelines, 2015. Collection method: clinical testing. Allele origin: unknown.

Institute for Biomarker Research, Medical Diagnostic Laboratories, L.L.C.
Classification: Uncertain significance for Hereditary cancer-predisposing syndrome. Last evaluated: 2023-12-12. Review status: criteria provided, single submitter. Criteria: ACMG Guidelines, 2015. Collection method: clinical testing. Allele origin: germline.

Department of Pathology and Laboratory Medicine, Sinai Health System
Classification: Uncertain significance for ATM-related cancer predisposition. Last evaluated: 2023-10-05. Review status: criteria provided, single submitter. Criteria: ACMG Guidelines, 2015. Collection method: clinical testing. Allele origin: germline. Affected: no.

Genome-Nilou Lab
Classification: Uncertain significance for Ataxia-telangiectasia syndrome. Last evaluated: 2021-07-14. Review status: criteria provided, single submitter. Criteria: ACMG Guidelines, 2015. Collection method: clinical testing. Allele origin: germline. Affected: no.

GeneDx
Classification: Uncertain significance. Last evaluated: 2020-03-30. Review status: criteria provided, single submitter. Criteria: GeneDx Variant Classification Process June 2021. Collection method: clinical testing. Allele origin: germline. Affected: yes.
Comment: Not observed at a significant frequency in large population cohorts (Lek 2016); In silico analysis supports that this missense variant has a deleterious effect on protein structure/function; Has not been previously published as pathogenic or benign to our knowledge

Illumina Laboratory Services, Illumina
Classification: Uncertain significance for Ataxia-telangiectasia syndrome. Last evaluated: 2018-03-30. Review status: criteria provided, single submitter. Criteria: ICSL Variant Classification Criteria 13 December 2019. Collection method: clinical testing. Allele origin: germline.

Natera, Inc.
Classification: Uncertain significance for Ataxia-telangiectasia. Last evaluated: 2021-04-13. Review status: no assertion criteria provided. Collection method: clinical testing. Allele origin: germline. Not counted in ClinVar's aggregate classification.

Literature cited by the submitters: PubMed 35171259 (cited by Labcorp Genetics (formerly Invitae), Labcorp and Ambry Genetics); PubMed 33471991 (cited by Department of Pathology and Laboratory Medicine, Sinai Health System).